The following is an entry in ClinVar:

NM_004287.5(GOSR2):c.95-17T>C

Genes: GOSR2 (golgi SNAP receptor complex member 2; plus strand), LRRC37A2 (leucine rich repeat containing 37 member A2), LOC126862578 (BRD4-independent group 4 enhancer GRCh37_chr17:45008344-45009543; plus strand). Cytogenetic location: 17q21.32.
Variant type: single nucleotide variant.
Coding change: c.95-17T>C on transcript NM_004287.5 (MANE Select); 17 bases into the intron before coding-DNA position 95, T replaced by C.
Molecular consequence: intron variant.
Genome position (GRCh38, 1-based): chr17:46,931,082, T>C. VCF-style: chr17-46931082-T-C. GRCh37 (hg19) VCF-style: chr17-45008448-T-C.
Other names: c.95-17T>C (NM_001321133.2, NM_054022.4, NM_001330252.2 and 1 more transcripts); c.41-17T>C (NM_001363851.2, NM_001321134.2); c.95-20T>C (NM_001353114.2, NM_001353115.2, NM_001353116.2).
Identifiers: ClinVar variation 385916 (VCV000385916.10), dbSNP rs553054493, ClinGen allele CA8621157.

ClinVar aggregate classification (germline): Benign/Likely benign. Review status: criteria provided, multiple submitters, no conflicts (2 of 4 stars). 3 submissions from 3 submitters: Benign (1); Likely benign (2). Last evaluated 2025-12-13.

Conditions:
Progressive myoclonic epilepsy. Also called: Myoclonic Epilepsies, Progressive; Familial progressive myoclonic epilepsy; Progressive myoclonus epilepsy; Myoclonus epilepsy. Identifiers: Orphanet 308, Orphanet 98261, MedGen C0751778, MONDO:0020074.

Allele frequency attached by ClinVar (database versions not stated): gnomAD below 0.00001 and 0.00009; TOPMed 0.00002; gnomAD exomes 0.00017 and 0.00037; ExAC 0.00041; 1000 Genomes Project 30x 0.00078; 1000 Genomes Project 0.00080.
gnomAD v4.1: 209 of 1,309,456 alleles (0.016%); highest among the groups gnomAD compares: South Asian, 0.23%; 3 homozygotes.

Submissions (3):

Labcorp Genetics (formerly Invitae), Labcorp
Classification: Benign for Progressive myoclonic epilepsy. Last evaluated: 2025-12-13. Review status: criteria provided, single submitter. Criteria: Invitae Variant Classification Sherloc (09022015). Collection method: clinical testing. Allele origin: germline.

Blueprint Genetics
Classification: Likely benign. Last evaluated: 2023-11-09. Review status: criteria provided, single submitter. Criteria: ACMG Guidelines, 2015. Collection method: clinical testing. Allele origin: germline.

GeneDx
Classification: Likely benign. Last evaluated: 2016-05-18. Review status: criteria provided, single submitter. Criteria: GeneDx Variant Classification (06012015). Collection method: clinical testing. Allele origin: germline. Affected: yes.
Comment: This variant is considered likely benign or benign based on one or more of the following criteria: it is a conservative change, it occurs at a poorly conserved position in the protein, it is predicted to be benign by multiple in silico algorithms, and/or has population frequency not consistent with disease.